The following is an entry in ClinVar:

NM_000038.6(APC):c.4871T>G (p.Leu1624Trp)

Gene: APC (APC regulator of Wnt signaling pathway; plus strand). Cytogenetic location: 5q22.2.
Variant type: single nucleotide variant.
Coding change: c.4871T>G on transcript NM_000038.6 (MANE Select); coding-DNA position 4871, T replaced by G.
Protein change: p.Leu1624Trp; replaces leucine 1624 with tryptophan.
Molecular consequence: missense variant.
Genome position (GRCh38, 1-based): chr5:112,840,465, T>G. VCF-style: chr5-112840465-T-G. GRCh37 (hg19) VCF-style: chr5-112176162-T-G.
Other names: c.4871T>G, p.Leu1624Trp (NM_001127510.3, NM_001354895.2, NM_001407450.1); c.4817T>G, p.Leu1606Trp (NM_001127511.3); c.4925T>G, p.Leu1642Trp (NM_001354896.2, NM_001407447.1, NM_001407448.1 and 1 more transcripts); c.4901T>G, p.Leu1634Trp (NM_001354897.2); c.4796T>G, p.Leu1599Trp (NM_001354898.2); c.4787T>G, p.Leu1596Trp (NM_001354899.2); c.4748T>G, p.Leu1583Trp (NM_001354900.2); c.4694T>G, p.Leu1565Trp (NM_001354901.2, NM_001407453.1); and 11 more; short protein forms L1240W, L1341W, L1464W, L1495W, L1498W, L1523W, L1533W, L1541W.
Identifiers: ClinVar variation 1720997 (VCV001720997.6), dbSNP rs2149926035, ClinGen allele CA16032004.
Genomic context (GRCh38, chr5:112,840,465, plus strand): 5'-CTGTGGCAAGGAAACCAAGTCAGCTGCCTGTGTACAAACTTCTACCATCACAAAACAGGT[T>G]GCAACCCCAAAAGCATGTTAGTTTTACACCGGGGGATGATATGCCACGGGTGTATTGTGT-3'
Protein context (NP_000029.2, residues 1614-1634): VYKLLPSQNR[Leu1624Trp]QPQKHVSFTP

ClinVar aggregate classification (germline): Uncertain significance (1 of 4 stars; one submission).

Conditions:
Familial adenomatous polyposis 1 (FAP1). Also called: FAMILIAL ADENOMATOUS POLYPOSIS 1, ATTENUATED; POLYPOSIS, ADENOMATOUS INTESTINAL. Identifiers: MedGen C2713442, MONDO:0021056, OMIM 175100. Disease mechanism: loss of function.

Submission:

Labcorp Genetics (formerly Invitae), Labcorp
Classification: Uncertain significance for Familial adenomatous polyposis 1. Last evaluated: 2024-04-29. Review status: criteria provided, single submitter. Criteria: Invitae Variant Classification Sherloc (09022015). Collection method: clinical testing. Allele origin: germline.
Comment: This sequence change replaces leucine, which is neutral and non-polar, with tryptophan, which is neutral and slightly polar, at codon 1624 of the APC protein (p.Leu1624Trp). This variant is not present in population databases (gnomAD no frequency). This variant has not been reported in the literature in individuals affected with APC-related conditions. ClinVar contains an entry for this variant (Variation ID: 1720997). Advanced modeling of protein sequence and biophysical properties (such as structural, functional, and spatial information, amino acid conservation, physicochemical variation, residue mobility, and thermodynamic stability) performed at Invitae indicates that this missense variant is not expected to disrupt APC protein function with a negative predictive value of 95%. In summary, the available evidence is currently insufficient to determine the role of this variant in disease. Therefore, it has been classified as a Variant of Uncertain Significance.